The following is an entry in ClinVar:

NM_001360.3(DHCR7):c.89G>A (p.Gly30Asp)

Gene: DHCR7 (7-dehydrocholesterol reductase; minus strand). Cytogenetic location: 11q13.4.
Variant type: single nucleotide variant.
Coding change: c.89G>A on transcript NM_001360.3 (MANE Select); coding-DNA position 89, G replaced by A.
Protein change: p.Gly30Asp; replaces glycine 30 with aspartic acid.
Molecular consequence: missense variant.
Genome position (GRCh38, 1-based): chr11:71,444,864, C>T on the plus strand (G>A on the coding strand, the complement: DHCR7 is on the minus strand). VCF-style: chr11-71444864-C-T. GRCh37 (hg19) VCF-style: chr11-71155910-C-T.
Other names: c.89G>A, p.Gly30Asp (NM_001163817.2, NM_001425107.1, NM_001425108.1 and 11 more transcripts); c.-157G>A (NM_001425117.1); short protein forms G30D.
Identifiers: ClinVar variation 2720743 (VCV002720743.4), dbSNP rs200334114, ClinGen allele CA381696865.

ClinVar aggregate classification (germline): Conflicting classifications of pathogenicity. Review status: criteria provided, conflicting classifications (1 of 4 stars). 2 submissions from 2 submitters: Likely pathogenic (1); Uncertain significance (1). Last evaluated 2025-08-29.

Conditions:
Smith-Lemli-Opitz syndrome (SLOS). Also called: POLYDACTYLY, SEX REVERSAL, RENAL HYPOPLASIA, AND UNILOBAR LUNG; RSH SYNDROME; RUTLEDGE LETHAL MULTIPLE CONGENITAL ANOMALY SYNDROME; 7-Dehydrocholesterol reductase deficiency; LETHAL ACRODYSGENITAL SYNDROME. Identifiers: Orphanet 818, MedGen C0175694, MONDO:0010035, OMIM 270400.

gnomAD v4.1: 1 of 1,613,944 alleles (0.000062%); highest among the groups gnomAD compares: South Asian, 0.0011%; no homozygotes.

Submissions (2):

Myriad Genetics, Inc.
Classification: Uncertain significance for Smith-Lemli-Opitz syndrome. Last evaluated: 2025-08-29. Review status: criteria provided, single submitter. Criteria: Myriad Autosomal Dominant, Autosomal Recessive and X-Linked Classification Criteria (2023). Collection method: clinical testing. Allele origin: unknown.
Comment: NM_001360.2(DHCR7):c.89G>A(G30D) is a missense variant classified as a variant of uncertain significance in the context of Smith-Lemli-Opitz syndrome. G30D has not been observed in cases with relevant disease. Relevant functional assessments of this variant are not available in the literature. G30D has not been observed in referenced population frequency databases. In summary, there is insufficient evidence to classify NM_001360.2(DHCR7):c.89G>A(G30D) as pathogenic or benign. Please note: this variant was assessed in the context of healthy population screening.

Labcorp Genetics (formerly Invitae), Labcorp
Classification: Likely pathogenic for Smith-Lemli-Opitz syndrome. Last evaluated: 2023-11-08. Review status: criteria provided, single submitter. Criteria: Invitae Variant Classification Sherloc (09022015). Collection method: clinical testing. Allele origin: germline.
Comment: This sequence change replaces glycine, which is neutral and non-polar, with aspartic acid, which is acidic and polar, at codon 30 of the DHCR7 protein (p.Gly30Asp). This variant is not present in population databases (gnomAD no frequency). This variant has not been reported in the literature in individuals affected with DHCR7-related conditions. Advanced modeling of protein sequence and biophysical properties (such as structural, functional, and spatial information, amino acid conservation, physicochemical variation, residue mobility, and thermodynamic stability) performed at Invitae indicates that this missense variant is expected to disrupt DHCR7 protein function with a positive predictive value of 95%. This variant disrupts the p.Gly30 amino acid residue in DHCR7. Other variant(s) that disrupt this residue have been determined to be pathogenic (PMID: 17497248, 17994283, 34958143). This suggests that this residue is clinically significant, and that variants that disrupt this residue are likely to be disease-causing. In summary, the currently available evidence indicates that the variant is pathogenic, but additional data are needed to prove that conclusively. Therefore, this variant has been classified as Likely Pathogenic.

Literature cited by the submitters: PubMed 17497248 (cited by Labcorp Genetics (formerly Invitae), Labcorp); PubMed 17994283 (cited by Labcorp Genetics (formerly Invitae), Labcorp); PubMed 34958143 (cited by Labcorp Genetics (formerly Invitae), Labcorp).